The following is an entry in ClinVar:

NM_020549.5(CHAT):c.1313T>C (p.Val438Ala)

Gene: CHAT (choline O-acetyltransferase; plus strand). Cytogenetic location: 10q11.23.
Variant type: single nucleotide variant.
Coding change: c.1313T>C on transcript NM_020549.5 (MANE Select); coding-DNA position 1313, T replaced by C.
Protein change: p.Val438Ala; replaces valine 438 with alanine.
Molecular consequence: missense variant.
Genome position (GRCh38, 1-based): chr10:49,648,538, T>C. VCF-style: chr10-49648538-T-C. GRCh37 (hg19) VCF-style: chr10-50856584-T-C.
Other names: c.959T>C, p.Val320Ala (NM_001142929.2, NM_001142934.2, NM_020984.4 and 2 more transcripts); c.1067T>C, p.Val356Ala (NM_001142933.2); short protein forms V356A, V320A, V438A.
Identifiers: ClinVar variation 1895836 (VCV001895836.5), dbSNP rs2538860759, ClinGen allele CA376742444.

ClinVar aggregate classification (germline): Uncertain significance (1 of 4 stars; one submission).

Conditions:
Familial infantile myasthenia (CMS6). Also called: MYASTHENIC SYNDROME, CONGENITAL, 6, PRESYNAPTIC; MYASTHENIC SYNDROME, PRESYNAPTIC, CONGENITAL, ASSOCIATED WITH EPISODIC APNEA; Congenital myasthenic syndrome type 6. Identifiers: Orphanet 590, MedGen C0393929, MONDO:0009689, OMIM 254210.

gnomAD v4.1: 2 of 1,613,946 alleles (0.00012%); highest among the groups gnomAD compares: Non-Finnish European, 0.00017%; no homozygotes.

Submission:

Labcorp Genetics (formerly Invitae), Labcorp
Classification: Uncertain significance for Familial infantile myasthenia. Last evaluated: 2022-03-04. Review status: criteria provided, single submitter. Criteria: Invitae Variant Classification Sherloc (09022015). Collection method: clinical testing. Allele origin: germline.
Comment: Advanced modeling of protein sequence and biophysical properties (such as structural, functional, and spatial information, amino acid conservation, physicochemical variation, residue mobility, and thermodynamic stability) performed at Invitae indicates that this missense variant is not expected to disrupt CHAT protein function. In summary, the available evidence is currently insufficient to determine the role of this variant in disease. Therefore, it has been classified as a Variant of Uncertain Significance. This variant has not been reported in the literature in individuals affected with CHAT-related conditions. This sequence change replaces valine, which is neutral and non-polar, with alanine, which is neutral and non-polar, at codon 438 of the CHAT protein (p.Val438Ala). This variant is not present in population databases (gnomAD no frequency).